The following is an entry in ClinVar:

NM_002471.4(MYH6):c.2724C>G (p.Asp908Glu)

Gene: MYH6 (myosin heavy chain 6; minus strand). Cytogenetic location: 14q11.2.
Variant type: single nucleotide variant.
Coding change: c.2724C>G on transcript NM_002471.4 (MANE Select); coding-DNA position 2724, C replaced by G.
Protein change: p.Asp908Glu; replaces aspartic acid 908 with glutamic acid.
Molecular consequence: missense variant.
Genome position (GRCh38, 1-based): chr14:23,393,870, G>C on the plus strand (C>G on the coding strand, the complement: MYH6 is on the minus strand). VCF-style: chr14-23393870-G-C. GRCh37 (hg19) VCF-style: chr14-23863079-G-C.
Other names: short protein forms D908E.
Identifiers: ClinVar variation 2567200 (VCV002567200.2), dbSNP rs1891314612, ClinGen allele CA389013204.

ClinVar aggregate classification (germline): Uncertain significance (1 of 4 stars; one submission).

Conditions:
Cardiovascular phenotype. Identifiers: MedGen CN230736.

Submission:

Ambry Genetics
Classification: Uncertain significance for Cardiovascular phenotype. Last evaluated: 2023-04-11. Review status: criteria provided, single submitter. Criteria: Ambry Variant Classification Scheme 2023. Collection method: clinical testing. Allele origin: germline.
Comment: The p.D908E variant (also known as c.2724C>G), located in coding exon 20 of the MYH6 gene, results from a C to G substitution at nucleotide position 2724. The aspartic acid at codon 908 is replaced by glutamic acid, an amino acid with highly similar properties. This amino acid position is conserved. In addition, this alteration is predicted to be tolerated by in silico analysis. Since supporting evidence is limited at this time, the clinical significance of this alteration remains unclear.